The following is an entry in ClinVar:

ClinVar aggregate classification (germline): Uncertain significance. Review status: criteria provided, multiple submitters, no conflicts (2 of 4 stars). 2 submissions from 2 submitters: Uncertain significance (2). Last evaluated 2024-06-20.

Conditions:
Brachyolmia-amelogenesis imperfecta syndrome. Also called: PLATYSPONDYLY WITH AMELOGENESIS IMPERFECTA; Tooth agenesis, selective, 6; Dental anomalies and short stature. Identifiers: Orphanet 2899, MedGen C1832594, MONDO:0011018, OMIM 601216. Disease mechanism: loss of function.

Submissions (2):

Labcorp Genetics (formerly Invitae), Labcorp
Classification: Uncertain significance for Brachyolmia-amelogenesis imperfecta syndrome. Last evaluated: 2024-06-20. Review status: criteria provided, single submitter. Criteria: Invitae Variant Classification Sherloc (09022015). Collection method: clinical testing. Allele origin: germline.
Comment: This sequence change replaces arginine, which is basic and polar, with cysteine, which is neutral and slightly polar, at codon 1303 of the LTBP3 protein (p.Arg1303Cys). This variant is not present in population databases (gnomAD no frequency). This missense change has been observed in individual(s) with skeletal dysplasia (PMID: 34627339). ClinVar contains an entry for this variant (Variation ID: 1224428). An algorithm developed to predict the effect of missense changes on protein structure and function (PolyPhen-2) suggests that this variant is likely to be disruptive. In summary, the available evidence is currently insufficient to determine the role of this variant in disease. Therefore, it has been classified as a Variant of Uncertain Significance.

Blueprint Genetics
Classification: Uncertain significance. Last evaluated: 2019-10-02. Review status: criteria provided, single submitter. Criteria: ACMG Guidelines, 2015. Collection method: clinical testing. Allele origin: germline.

Literature cited by the submitters: PubMed 34627339 (cited by Labcorp Genetics (formerly Invitae), Labcorp).

NM_001130144.3(LTBP3):c.3907C>T (p.Arg1303Cys)

Gene: LTBP3 (latent transforming growth factor beta binding protein 3; minus strand). Cytogenetic location: 11q13.1.
Variant type: single nucleotide variant.
Coding change: c.3907C>T on transcript NM_001130144.3 (MANE Select); coding-DNA position 3907, C replaced by T.
Protein change: p.Arg1303Cys; replaces arginine 1303 with cysteine.
Molecular consequence: missense variant.
Genome position (GRCh38, 1-based): chr11:65,539,085, G>A on the plus strand (C>T on the coding strand, the complement: LTBP3 is on the minus strand). VCF-style: chr11-65539085-G-A. GRCh37 (hg19) VCF-style: chr11-65306556-G-A.
Other names: c.3415C>T, p.Arg1139Cys (NM_001164266.1); c.3766C>T, p.Arg1256Cys (NM_021070.4); short protein forms R1139C, R1256C, R1303C.
Identifiers: ClinVar variation 1224428 (VCV001224428.4), dbSNP rs1186461257, ClinGen allele CA381265753.